The following is an entry in ClinVar:

NM_006947.4(SRP72):c.1276A>C (p.Ile426Leu)

Gene: SRP72 (signal recognition particle 72; plus strand). Cytogenetic location: 4q12.
Variant type: single nucleotide variant.
Coding change: c.1276A>C on transcript NM_006947.4 (MANE Select); coding-DNA position 1276, A replaced by C.
Protein change: p.Ile426Leu; replaces isoleucine 426 with leucine.
Molecular consequence: missense variant. On other transcripts: non-coding transcript variant (1).
Genome position (GRCh38, 1-based): chr4:56,489,439, A>C. VCF-style: chr4-56489439-A-C. GRCh37 (hg19) VCF-style: chr4-57355605-A-C.
Other names: c.1093A>C, p.Ile365Leu (NM_001267722.2); short protein forms I426L, I365L.
Identifiers: ClinVar variation 4825780 (VCV004825780.1).

ClinVar aggregate classification (germline): Uncertain significance (1 of 4 stars; one submission).

gnomAD v4.1: 1 of 1,602,926 alleles (0.000062%); highest among the groups gnomAD compares: South Asian, 0.0011%; no homozygotes.

Submission:

Ambry Genetics
Classification: Uncertain significance. Last evaluated: 2026-03-02. Review status: criteria provided, single submitter. Criteria: Ambry Variant Classification Scheme 2023. Collection method: clinical testing. Allele origin: germline.
Comment: The p.I426L variant (also known as c.1276A>C), located in coding exon 13 of the SRP72 gene, results from an A to C substitution at nucleotide position 1276. The isoleucine at codon 426 is replaced by leucine, an amino acid with highly similar properties. This amino acid position is conserved. In addition, the in silico prediction for this alteration is inconclusive. Based on the available evidence, the clinical significance of this variant remains unclear.